The following is an entry in ClinVar:

ClinVar aggregate classification (germline): Pathogenic. Review status: criteria provided, multiple submitters, no conflicts (2 of 4 stars). 6 submissions from 6 submitters: Pathogenic (5). 1 of the submissions does not count toward it. Last evaluated 2024-04-04.

Conditions:
Intellectual developmental disorder with gastrointestinal difficulties and high pain threshold (JDVS). Also called: JANSEN-DE VRIES SYNDROME. Identifiers: Orphanet 653767, MedGen C4479517, MONDO:0044318, OMIM 617450.

Allele frequency attached by ClinVar (database versions not stated): gnomAD exomes below 0.00001.

Submissions (6):

Genomic Medicine Center of Excellence, King Faisal Specialist Hospital and Research Centre
Classification: Pathogenic for Intellectual developmental disorder with gastrointestinal difficulties and high pain threshold. Last evaluated: 2024-04-04. Review status: criteria provided, single submitter. Criteria: ACMG Guidelines, 2015. Collection method: clinical testing. Allele origin: germline.

Laboratory of Medical Genetics, National & Kapodistrian University of Athens
Classification: Pathogenic for Intellectual developmental disorder with gastrointestinal difficulties and high pain threshold. Last evaluated: 2024-03-01. Review status: criteria provided, single submitter. Criteria: ACMG Guidelines, 2015. Collection method: clinical testing. Allele origin: germline. Affected: yes.
Comment: PVS1, PM2, PP5 - The variant has been reported in ClinVar as Pathogenic by other laboratories (Variation ID 1704910). This variant has been previously reported as causative (PMID:28343630).

Laboratory of Medical Genetics, University of Torino
Classification: Pathogenic for Intellectual developmental disorder with gastrointestinal difficulties and high pain threshold. Last evaluated: 2022-11-29. Review status: criteria provided, single submitter. Criteria: ACMG Guidelines, 2015. Collection method: research. Allele origin: germline. Affected: yes. Study: NeuroWES.

GeneDx
Classification: Pathogenic. Last evaluated: 2022-09-10. Review status: criteria provided, single submitter. Criteria: GeneDx Variant Classification Process June 2021. Collection method: clinical testing. Allele origin: germline. Affected: yes.
Comment: Has not been previously reported as a pathogenic or benign germline variant to our knowledge; Has been reported as a somatic mosaic variant in ovarian cancer tumors. These variants were thought to be treatment related and not associated with a predisposition to cancer (Pharoah et al., 2016; Weber-Lassalle et al., 2018); Nonsense variant predicted to result in protein truncation, although loss-of-function variants have not been reported downstream of this position in the protein; This variant is associated with the following publications: (PMID: 27401275, 30216591, 26823519)

Labcorp Genetics (formerly Invitae), Labcorp
Classification: Pathogenic. Last evaluated: 2022-05-03. Review status: criteria provided, single submitter. Criteria: Invitae Variant Classification Sherloc (09022015). Collection method: clinical testing. Allele origin: germline.
Comment: For these reasons, this variant has been classified as Pathogenic. This premature translational stop signal has been observed in individual(s) with Jansen de Vries syndrome (PMID: 28343630). In at least one individual the variant was observed to be de novo. This variant is not present in population databases (gnomAD no frequency). This sequence change creates a premature translational stop signal (p.Trp427*) in the PPM1D gene. While this is not anticipated to result in nonsense mediated decay, it is expected to disrupt the last 179 amino acid(s) of the PPM1D protein.

Molecular Genetics laboratory, Necker Hospital
Classification: Pathogenic. Last evaluated: 2021-03-10. Review status: no assertion criteria provided. Collection method: clinical testing. Allele origin: de novo. Affected: yes. Not counted in ClinVar's aggregate classification.

Literature cited by the submitters: PubMed 28343630 (cited by Labcorp Genetics (formerly Invitae), Labcorp).

NM_003620.4(PPM1D):c.1280G>A (p.Trp427Ter)

Gene: PPM1D (protein phosphatase, Mg2+/Mn2+ dependent 1D; plus strand). Cytogenetic location: 17q23.2.
Variant type: single nucleotide variant.
Coding change: c.1280G>A on transcript NM_003620.4 (MANE Select); coding-DNA position 1280, G replaced by A.
Protein change: p.Trp427Ter; replaces tryptophan 427 with a stop codon.
Molecular consequence: nonsense.
Genome position (GRCh38, 1-based): chr17:60,663,014, G>A. VCF-style: chr17-60663014-G-A. GRCh37 (hg19) VCF-style: chr17-58740375-G-A.
Other names: short protein forms W427*.
Identifiers: ClinVar variation 1704910 (VCV001704910.10), dbSNP rs2031551927, ClinGen allele CA400456081.